The following is an entry in ClinVar:

NM_021008.4(DEAF1):c.1383C>A (p.Asn461Lys)

Genes: DEAF1 (DEAF1 transcription factor; minus strand), LOC126861109 (BRD4-independent group 4 enhancer GRCh37_chr11:673917-675116; plus strand). Cytogenetic location: 11p15.5.
Variant type: single nucleotide variant.
Coding change: c.1383C>A on transcript NM_021008.4 (MANE Select); coding-DNA position 1383, C replaced by A.
Protein change: p.Asn461Lys; replaces asparagine 461 with lysine.
Molecular consequence: missense variant.
Genome position (GRCh38, 1-based): chr11:674,656, G>T on the plus strand (C>A on the coding strand, the complement: DEAF1 is on the minus strand). VCF-style: chr11-674656-G-T. GRCh37 (hg19) VCF-style: chr11-674656-G-T.
Other names: c.1116C>A, p.Asn372Lys (NM_001293634.2); c.657C>A, p.Asn219Lys (NM_001367390.1); short protein forms N219K, N372K, N461K.
Identifiers: ClinVar variation 2085378 (VCV002085378.4), dbSNP rs1049200635, ClinGen allele CA378924000.

ClinVar aggregate classification (germline): Pathogenic (1 of 4 stars; one submission).

Submission:

Labcorp Genetics (formerly Invitae), Labcorp
Classification: Pathogenic. Last evaluated: 2023-01-31. Review status: criteria provided, single submitter. Criteria: Invitae Variant Classification Sherloc (09022015). Collection method: clinical testing. Allele origin: germline.
Comment: This sequence change replaces asparagine, which is neutral and polar, with lysine, which is basic and polar, at codon 461 of the DEAF1 protein (p.Asn461Lys). This variant is not present in population databases (gnomAD no frequency). This missense change has been observed in individual(s) with DEAF1-related conditions (Invitae). In at least one individual the variant was observed to be de novo. Advanced modeling of protein sequence and biophysical properties (such as structural, functional, and spatial information, amino acid conservation, physicochemical variation, residue mobility, and thermodynamic stability) performed at Invitae indicates that this missense variant is expected to disrupt DEAF1 protein function. For these reasons, this variant has been classified as Pathogenic.